The following is an entry in ClinVar:

ClinVar aggregate classification (germline): Uncertain significance (1 of 4 stars; one submission).

Allele frequency attached by ClinVar (database versions not stated): gnomAD exomes below 0.00001; TOPMed below 0.00001 and 0.00001.

Submission:

GeneDx
Classification: Uncertain significance. Last evaluated: 2017-02-09. Review status: criteria provided, single submitter. Criteria: GeneDx Variant Classification (06012015). Collection method: clinical testing. Allele origin: germline. Affected: yes.
Comment: The V739A variant in the DNA2 gene has not been reported previously as a pathogenic variant, nor as a benign variant, to our knowledge. The V739A variant is not observed in large population cohorts (Lek et al., 2016; 1000 Genomes Consortium et al., 2015; Exome Variant Server). The V739A variant is a conservative amino acid substitution, which is not likely to impact secondary protein structure as these residues share similar properties. This substitution occurs at a position that is conserved across species. In silico analysis predicts this variant is probably damaging to the protein structure/function. We interpret V739A as a variant of uncertain significance.

NM_001080449.3(DNA2):c.2216T>C (p.Val739Ala)

Gene: DNA2 (DNA replication helicase/nuclease 2; minus strand). Cytogenetic location: 10q21.3.
Variant type: single nucleotide variant.
Coding change: c.2216T>C on transcript NM_001080449.3 (MANE Select); coding-DNA position 2216, T replaced by C.
Protein change: p.Val739Ala; replaces valine 739 with alanine.
Molecular consequence: missense variant. On other transcripts: non-coding transcript variant (1).
Genome position (GRCh38, 1-based): chr10:68,422,883, A>G on the plus strand (T>C on the coding strand, the complement: DNA2 is on the minus strand). VCF-style: chr10-68422883-A-G. GRCh37 (hg19) VCF-style: chr10-70182640-A-G.
Other names: short protein forms V739A.
Identifiers: ClinVar variation 423229 (VCV000423229.2), dbSNP rs1064796309, ClinGen allele CA16618968.